The following is an entry in ClinVar:

ClinVar aggregate classification (germline): Conflicting classifications of pathogenicity. Review status: criteria provided, conflicting classifications (1 of 4 stars). 3 submissions from 3 submitters: Uncertain significance (2); Likely benign (1). Last evaluated 2025-05-07.

Conditions:
Hereditary breast ovarian cancer syndrome. Also called: Hereditary breast and/or ovarian cancer syndrome; BRCA1- and BRCA2-Associated Hereditary Breast and Ovarian Cancer; Hereditary breast and ovarian cancer syndrome; Hereditary breast and ovarian cancer; Hereditary breast and ovarian cancer syndrome (HBOC); Breast and ovarian cancer. Identifiers: Orphanet 145, MedGen C0677776, MeSH D061325, MONDO:0003582. Disease mechanism: loss of function.
Hereditary cancer-predisposing syndrome. Also called: Neoplastic Syndromes, Hereditary; Tumor predisposition; Hereditary Cancer Syndrome; Hereditary neoplastic syndrome. Identifiers: Orphanet 140162, MedGen C0027672, MeSH D009386, MONDO:0015356.

Submissions (3):

Ambry Genetics
Classification: Uncertain significance for Hereditary cancer-predisposing syndrome. Last evaluated: 2025-05-07. Review status: criteria provided, single submitter. Criteria: Ambry Variant Classification Scheme 2023. Collection method: clinical testing. Allele origin: germline.
Comment: The p.E696G variant (also known as c.2087A>G), located in coding exon 10 of the BRCA2 gene, results from an A to G substitution at nucleotide position 2087. The glutamic acid at codon 696 is replaced by glycine, an amino acid with similar properties. This amino acid position is not well conserved in available vertebrate species. In addition, the in silico prediction for this alteration is inconclusive. Since supporting evidence is limited at this time, the clinical significance of this alteration remains unclear.

Labcorp Genetics (formerly Invitae), Labcorp
Classification: Uncertain significance for Hereditary breast ovarian cancer syndrome. Last evaluated: 2023-10-13. Review status: criteria provided, single submitter. Criteria: Invitae Variant Classification Sherloc (09022015). Collection method: clinical testing. Allele origin: germline.
Comment: This sequence change replaces glutamic acid, which is acidic and polar, with glycine, which is neutral and non-polar, at codon 696 of the BRCA2 protein (p.Glu696Gly). This variant is not present in population databases (gnomAD no frequency). This variant has not been reported in the literature in individuals affected with BRCA2-related conditions. ClinVar contains an entry for this variant (Variation ID: 820689). Advanced modeling of protein sequence and biophysical properties (such as structural, functional, and spatial information, amino acid conservation, physicochemical variation, residue mobility, and thermodynamic stability) performed at Invitae indicates that this missense variant is not expected to disrupt BRCA2 protein function. In summary, the available evidence is currently insufficient to determine the role of this variant in disease. Therefore, it has been classified as a Variant of Uncertain Significance.

University of Washington Department of Laboratory Medicine, University of Washington
Classification: Likely benign for Hereditary cancer-predisposing syndrome. Last evaluated: 2023-03-23. Review status: criteria provided, single submitter. Criteria: Dines et al. (Genet Med. 2020). Collection method: curation. Allele origin: germline.
Comment: Missense variant in a coldspot region where missense variants are very unlikely to be pathogenic (PMID:31911673).

BRCA2 exon 11 coldspot. Reclassification based on statistical prior probability.

NM_000059.4(BRCA2):c.2087A>G (p.Glu696Gly)

Gene: BRCA2 (BRCA2 DNA repair associated; plus strand). Cytogenetic location: 13q13.1.
Variant type: single nucleotide variant.
Coding change: c.2087A>G on transcript NM_000059.4 (MANE Select); coding-DNA position 2087, A replaced by G.
Protein change: p.Glu696Gly; replaces glutamic acid 696 with glycine.
Molecular consequence: missense variant.
Genome position (GRCh38, 1-based): chr13:32,336,442, A>G. VCF-style: chr13-32336442-A-G. GRCh37 (hg19) VCF-style: chr13-32910579-A-G.
Other names: short protein forms E696G.
Identifiers: ClinVar variation 820689 (VCV000820689.10), dbSNP rs1593896068, ClinGen allele CA387769161.
Genomic context (GRCh38, chr13:32,336,442, plus strand): 5'-GTTCTAATAATACAGTAATCTCTCAGGATCTTGATTATAAAGAAGCAAAATGTAATAAGG[A>G]AAAACTACAGTTATTTATTACCCCAGAAGCTGATTCTCTGTCATGCCTGCAGGAAGGACA-3'
Protein context (NP_000050.3, residues 686-706): LDYKEAKCNK[Glu696Gly]KLQLFITPEA